The following is an entry in ClinVar:

NM_001369.3(DNAH5):c.5059C>T (p.Gln1687Ter)

Gene: DNAH5 (dynein axonemal heavy chain 5; minus strand). Cytogenetic location: 5p15.2.
Variant type: single nucleotide variant.
Coding change: c.5059C>T on transcript NM_001369.3 (MANE Select); coding-DNA position 5059, C replaced by T.
Protein change: p.Gln1687Ter; replaces glutamine 1687 with a stop codon.
Molecular consequence: nonsense.
Genome position (GRCh38, 1-based): chr5:13,850,707, G>A on the plus strand (C>T on the coding strand, the complement: DNAH5 is on the minus strand). VCF-style: chr5-13850707-G-A. GRCh37 (hg19) VCF-style: chr5-13850816-G-A.
Other names: short protein forms Q1687*.
Identifiers: ClinVar variation 576377 (VCV000576377.12), dbSNP rs1188507108, ClinGen allele CA359216914.

ClinVar aggregate classification (germline): Pathogenic/Likely pathogenic. Review status: criteria provided, multiple submitters, no conflicts (2 of 4 stars). 4 submissions from 4 submitters: Pathogenic (3); Likely pathogenic (1). Last evaluated 2026-04-23.

Conditions:
Primary ciliary dyskinesia 3. Identifiers: Orphanet 244, MedGen C1837618, MONDO:0012085, OMIM 608644.
Primary ciliary dyskinesia. Also called: Ciliary dyskinesia. Identifiers: Orphanet 244, MedGen C0008780, MONDO:0016575, HP:0012265.

gnomAD v4.1: 2 of 1,614,008 alleles (0.00012%); highest among the groups gnomAD compares: Non-Finnish European, 0.00017%; no homozygotes.

Submissions (4):

Myriad Genetics, Inc.
Classification: Pathogenic for Primary ciliary dyskinesia 3. Last evaluated: 2026-04-23. Review status: criteria provided, single submitter. Criteria: Myriad Autosomal Dominant, Autosomal Recessive and X-Linked Classification Criteria (2023). Collection method: clinical testing. Allele origin: unknown.
Comment: NM_001369.2(DNAH5):c.5059C>T(Q1687*) is a nonsense variant classified as pathogenic in the context of primary ciliary dyskinesia, DNAH5-related. Q1687* has not been observed in cases with relevant disease. Relevant functional assessments of this variant are not available in the literature. Q1687* has not been observed in referenced population frequency databases. In summary, NM_001369.2(DNAH5):c.5059C>T(Q1687*) is a nonsense variant in a gene where loss of function is a known mechanism of disease and is predicted to disrupt protein function. Please note: this variant was assessed in the context of healthy population screening.

Labcorp Genetics (formerly Invitae), Labcorp
Classification: Pathogenic for Primary ciliary dyskinesia. Last evaluated: 2025-03-26. Review status: criteria provided, single submitter. Criteria: Invitae Variant Classification Sherloc (09022015). Collection method: clinical testing. Allele origin: germline.
Comment: This sequence change creates a premature translational stop signal (p.Gln1687*) in the DNAH5 gene. It is expected to result in an absent or disrupted protein product. Loss-of-function variants in DNAH5 are known to be pathogenic (PMID: 11788826, 16627867). This variant is not present in population databases (gnomAD no frequency). This variant has not been reported in the literature in individuals affected with DNAH5-related conditions. ClinVar contains an entry for this variant (Variation ID: 576377). For these reasons, this variant has been classified as Pathogenic.

Natera, Inc.
Classification: Likely pathogenic for Primary ciliary dyskinesia. Last evaluated: 2024-11-18. Review status: criteria provided, single submitter. Criteria: Natera Variant Classification Schema (03/2026). Collection method: clinical testing. Allele origin: germline.
Comment: The c.5059C>T variant in DNAH5 is a nonsense variant predicted to introduce a stop codon at amino acid 1687. This variant is expected to result in nonsense mediated decay, truncation, or a dysfunctional protein product. This variant is rare in the general population with a frequency below the threshold expected for the associated phenotype(s). Given the available evidence, this variant is classified as Likely Pathogenic.

Biology Pathology Center, Lille University Hospital
Classification: Pathogenic for Primary ciliary dyskinesia 3. Review status: criteria provided, single submitter. Criteria: ACMG Guidelines, 2015. Collection method: clinical testing. Allele origin: germline. Inheritance: Autosomal recessive inheritance. Affected: yes. Observed: 1 variant allele.

Literature cited by the submitters: PubMed 11788826 (cited by Labcorp Genetics (formerly Invitae), Labcorp); PubMed 16627867 (cited by Labcorp Genetics (formerly Invitae), Labcorp).